The following is an entry in ClinVar:

NM_014423.4(AFF4):c.3303C>T (p.Ser1101=)

Gene: AFF4 (ALF transcription elongation factor 4; minus strand). Cytogenetic location: 5q31.1.
Variant type: single nucleotide variant.
Coding change: c.3303C>T on transcript NM_014423.4 (MANE Select); coding-DNA position 3303, C replaced by T.
Protein change: p.Ser1101=; no amino-acid change (serine 1101 retained).
Molecular consequence: synonymous variant.
Genome position (GRCh38, 1-based): chr5:132,883,401, G>A on the plus strand (C>T on the coding strand, the complement: AFF4 is on the minus strand). VCF-style: chr5-132883401-G-A. GRCh37 (hg19) VCF-style: chr5-132219093-G-A.
Identifiers: ClinVar variation 3353104 (VCV003353104.1).

ClinVar aggregate classification (germline): Likely benign (0 of 4 stars; one submission).

Conditions:
AFF4-related disorder. Also called: AFF4-related condition.

gnomAD v4.1: 6 of 1,614,002 alleles (0.00037%); highest among the groups gnomAD compares: Non-Finnish European, 0.00042%; no homozygotes.

Submission:

PreventionGenetics, part of Exact Sciences
Classification: Likely benign for AFF4-related condition. Last evaluated: 2023-08-07. Review status: no assertion criteria provided. Collection method: clinical testing. Allele origin: germline.
Comment: This variant is classified as likely benign based on ACMG/AMP sequence variant interpretation guidelines (Richards et al. 2015 PMID: 25741868, with internal and published modifications).